The following is an entry in ClinVar:

ClinVar aggregate classification (germline): Uncertain significance (1 of 4 stars; one submission).

Submission:

Labcorp Genetics (formerly Invitae), Labcorp
Classification: Uncertain significance. Last evaluated: 2023-11-05. Review status: criteria provided, single submitter. Criteria: Invitae Variant Classification Sherloc (09022015). Collection method: clinical testing. Allele origin: germline.
Comment: This variant, c.108_110del, results in the deletion of 1 amino acid(s) of the ATP6V1E1 protein (p.Glu37del), but otherwise preserves the integrity of the reading frame. This variant is not present in population databases (gnomAD no frequency). This variant has not been reported in the literature in individuals affected with ATP6V1E1-related conditions. Experimental studies and prediction algorithms are not available or were not evaluated, and the functional significance of this variant is currently unknown. In summary, the available evidence is currently insufficient to determine the role of this variant in disease. Therefore, it has been classified as a Variant of Uncertain Significance.

NM_001696.4(ATP6V1E1):c.102AGA[2] (p.Glu37del)

Gene: ATP6V1E1 (ATPase H+ transporting V1 subunit E1; minus strand). Cytogenetic location: 22q11.21.
Variant type: Microsatellite.
Coding change: c.102AGA[2] on transcript NM_001696.4 (MANE Select); two copies in a row of the 3-base unit AGA starting at c.102; the reference has three copies in a row; one copy, 3 bases deleted.
Protein change: p.Glu37del; deletes glutamic acid 37.
Molecular consequence: inframe deletion.
Genome position (GRCh38, 1-based): chr22:17,613,310-17,613,312, TCT deleted on the plus strand (AGA on the coding strand, the reverse complement: ATP6V1E1 is on the minus strand); deleting any 3 consecutive bases within chr22:17,613,310-17,613,318 gives the same sequence; the position shown is the placement nearest the transcript's 3' end. VCF-style (leftmost placement, unchanged base first): chr22-17613309-CTCT-C. GRCh37 (hg19) VCF-style: chr22-18096075-CTCT-C.
Other names: c.36AGA[2], p.Glu15del (NM_001039366.1); c.102AGA[2], p.Glu37del (NM_001039367.1); short protein forms E37del, E15del.
Identifiers: ClinVar variation 2796875 (VCV002796875.1), dbSNP rs2518036455, ClinGen allele CA2739267789.
Genomic context (GRCh38, chr22:17,613,309, plus strand): 5'-ATAATATTCCATAATCTTTAGTCTTTGGGTTTGCACAAGCCGACCTTTCTCTATGTTGAA[CTCT>C]TCTTCTGCCTAGAGGGAAATTAGTCAATATTAATTCATTACATCAAGTTTTGATTAACAG-3'